The following is an entry in ClinVar:

NM_012431.3(SEMA3E):c.-6G>A

Gene: SEMA3E (semaphorin 3E; minus strand). Cytogenetic location: 7q21.11.
Variant type: single nucleotide variant.
Coding change: c.-6G>A on transcript NM_012431.3 (MANE Select); 6 bases upstream of the start codon, G replaced by A.
Molecular consequence: 5 prime UTR variant.
Genome position (GRCh38, 1-based): chr7:83,648,548, C>T on the plus strand (G>A on the coding strand, the complement: SEMA3E is on the minus strand). VCF-style: chr7-83648548-C-T. GRCh37 (hg19) VCF-style: chr7-83277864-C-T.
Identifiers: ClinVar variation 3042420 (VCV003042420.2), dbSNP rs533333034, ClinGen allele CA4322499.
Genomic context (GRCh38, chr7:83,648,548, plus strand): 5'-GCTCCAGTAAGTAACCCCACAGGAGCAAGGTGATAATGTGCCCCGCGGATGCCATGCTGC[C>T]GTGTTCACCGTCCAAGCCCTCGCTCCTCACTTTAAGGAGGGTCTGAGTTTTACTTAGGAC-3'

ClinVar aggregate classification (germline): Likely benign (0 of 4 stars; one submission).

Conditions:
SEMA3E-related disorder. Also called: SEMA3E-related condition.

Allele frequency attached by ClinVar (database versions not stated): ExAC 0.00003; TOPMed 0.00015; 1000 Genomes Project 30x 0.00016; gnomAD 0.00017; 1000 Genomes Project 0.00020.
gnomAD v4.1: 66 of 1,605,274 alleles (0.0041%); highest among the groups gnomAD compares: African/African-American, 0.075%; no homozygotes.

Submission:

PreventionGenetics, part of Exact Sciences
Classification: Likely benign for SEMA3E-related condition. Last evaluated: 2021-09-09. Review status: no assertion criteria provided. Collection method: clinical testing. Allele origin: germline.
Comment: This variant is classified as likely benign based on ACMG/AMP sequence variant interpretation guidelines (Richards et al. 2015 PMID: 25741868, with internal and published modifications).